The following is an entry in ClinVar:

NM_001367943.1(TCF7L2):c.1001+1G>A

Gene: TCF7L2 (transcription factor 7 like 2; plus strand). Cytogenetic location: 10q25.3.
Variant type: single nucleotide variant.
Coding change: c.1001+1G>A on transcript NM_001367943.1 (MANE Select); the canonical splice donor site of the intron after coding-DNA position 1001, G replaced by A.
Molecular consequence: splice donor variant.
Genome position (GRCh38, 1-based): chr10:113,151,124, G>A. VCF-style: chr10-113151124-G-A. GRCh37 (hg19) VCF-style: chr10-114910883-G-A.
Other names: NC_000010.10:g.114910883G>A; c.1001+1G>A (NM_001363501.2, NM_001146274.2, NM_001198531.2); c.1073+1G>A (NM_001146283.2); c.947+1G>A (NM_001198525.2); c.932+1G>A (NM_001198528.2, NM_030756.5, NM_001198529.2 and 3 more transcripts); c.920+1G>A (NM_001198527.2, NM_001146284.2); c.830+1G>A (NM_001198530.2); c.452+1G>A (NM_001349871.1); and 1 more.
Identifiers: ClinVar variation 4360013 (VCV004360013.4).

ClinVar aggregate classification (germline): Likely pathogenic (1 of 4 stars; one submission).

Conditions:
Complex neurodevelopmental disorder. Identifiers: Orphanet 528084, MedGen C5568766, MONDO:0100038.

Submissions (3):

Dasa
Classification: Likely pathogenic for complex neurodevelopmental disorder. Last evaluated: 2025-11-25. Review status: criteria provided, single submitter. Criteria: DASA Assertion Criteria. Collection method: clinical testing. Allele origin: germline.
Comment: NM_001367943.1(TCF7L2):c.1001+1G>A affects a canonical splice site and is predicted to disrupt normal RNA splicing. Loss of function is an established disease mechanism for TCF7L2-associated disorders. Also, this variant is absent from population databases. Based on the currently available evidence, this variant is classified as likely pathogenic.

Dr. Peter K. Rogan Lab, Western University
No classification provided (evidence only). Condition: Colorectal cancer. Review status: no classification provided. Collection method: in vitro. Allele origin: not applicable. Functional consequence: skipped exon, retained intron. Not counted in ClinVar's aggregate classification.

MutSpliceDB: a database of splice sites variants effects on splicing, NIH
No classification provided (evidence only). Review status: no classification provided. Collection method: in vivo. Allele origin: not applicable. Functional consequence: retained intron. Not counted in ClinVar's aggregate classification.